The following is an entry in ClinVar:

NM_000553.6(WRN):c.3211C>T (p.Pro1071Ser)

Gene: WRN (WRN RecQ like helicase; plus strand). Cytogenetic location: 8p12.
Variant type: single nucleotide variant.
Coding change: c.3211C>T on transcript NM_000553.6 (MANE Select); coding-DNA position 3211, C replaced by T.
Protein change: p.Pro1071Ser; replaces proline 1071 with serine.
Molecular consequence: missense variant.
Genome position (GRCh38, 1-based): chr8:31,141,753, C>T. VCF-style: chr8-31141753-C-T. GRCh37 (hg19) VCF-style: chr8-30999269-C-T.
Other names: short protein forms P1071S.
Identifiers: ClinVar variation 528148 (VCV000528148.9), dbSNP rs61761623, ClinGen allele CA4704963.

ClinVar aggregate classification (germline): Uncertain significance. Review status: criteria provided, multiple submitters, no conflicts (2 of 4 stars). 2 submissions from 2 submitters: Uncertain significance (2). Last evaluated 2026-05-20.

Conditions:
Inborn genetic diseases. Identifiers: MedGen C0950123, MeSH D030342.
Werner syndrome (WRN). Identifiers: Orphanet 902, MedGen C0043119, MONDO:0010196, OMIM 277700.

Allele frequency attached by ClinVar (database versions not stated): gnomAD exomes 0.00002 and 0.00005; ExAC 0.00008; gnomAD 0.00036 and 0.00032; ESP Exome Variant Server 0.00031.
gnomAD v4.1: 90 of 1,613,894 alleles (0.0056%); highest among the groups gnomAD compares: African/African-American, 0.099%; no homozygotes.

Submissions (2):

Ambry Genetics
Classification: Uncertain significance for Inborn genetic diseases. Last evaluated: 2026-05-20. Review status: criteria provided, single submitter. Criteria: Ambry Variant Classification Scheme 2023. Collection method: clinical testing. Allele origin: germline.
Comment: The c.3211C>T (p.P1071S) alteration is located in exon 26 (coding exon 25) of the WRN gene. This alteration results from a C to T substitution at nucleotide position 3211, causing the proline (P) at amino acid position 1071 to be replaced by a serine (S). Based on data from gnomAD, the T allele has an overall frequency of 0.007% (19/282720) total alleles studied. The highest observed frequency was 0.068% (17/24958) of African alleles. Based on insufficient or conflicting evidence, the clinical significance of this alteration remains unclear.

Labcorp Genetics (formerly Invitae), Labcorp
Classification: Uncertain significance for Werner syndrome. Last evaluated: 2026-01-25. Review status: criteria provided, single submitter. Criteria: Invitae Variant Classification Sherloc (09022015). Collection method: clinical testing. Allele origin: germline.
Comment: This sequence change replaces proline, which is neutral and non-polar, with serine, which is neutral and polar, at codon 1071 of the WRN protein (p.Pro1071Ser). This variant is present in population databases (rs61761623, gnomAD 0.07%). This variant has not been reported in the literature in individuals affected with WRN-related conditions. ClinVar contains an entry for this variant (Variation ID: 528148). An algorithm developed to predict the effect of missense changes on protein structure and function outputs the following: PolyPhen-2: "Benign". The serine amino acid residue is found in multiple mammalian species, which suggests that this missense change does not adversely affect protein function. In summary, the available evidence is currently insufficient to determine the role of this variant in disease. Therefore, it has been classified as a Variant of Uncertain Significance.